The following is an entry in ClinVar:

ClinVar aggregate classification (germline): Uncertain significance. Review status: criteria provided, multiple submitters, no conflicts (2 of 4 stars). 4 submissions from 4 submitters: Uncertain significance (4). Last evaluated 2025-09-15.

Conditions:
Familial isolated arrhythmogenic right ventricular dysplasia. Identifiers: Orphanet 217656, MedGen C4274968, MONDO:0016342.
Cardiomyopathy (CMYO). Also called: Cardiomyopathies. Identifiers: Orphanet 167848, MedGen C0878544, MONDO:0004994, HP:0001638. Inheritance: Various modes of inheritance.
Arrhythmogenic right ventricular dysplasia 11. Also called: ARRHYTHMOGENIC RIGHT VENTRICULAR DYSPLASIA, FAMILIAL, 11; Arrhythmogenic Right Ventricular Dysplasia/Cardiomyopathy11; Arrhythmogenic right ventricular dysplasia 11 with mild palmoplantar keratoderma and woolly hair. Identifiers: MedGen C1864850, MONDO:0012506, OMIM 610476.
Cardiovascular phenotype. Identifiers: MedGen CN230736.

Allele frequency attached by ClinVar (database versions not stated): gnomAD 0.00001.
gnomAD v4.1: 3 of 1,584,802 alleles (0.00019%); highest among the groups gnomAD compares: Non-Finnish European, 0.00026%; no homozygotes.

Submissions (4):

Labcorp Genetics (formerly Invitae), Labcorp
Classification: Uncertain significance for Arrhythmogenic right ventricular dysplasia 11. Last evaluated: 2025-09-15. Review status: criteria provided, single submitter. Criteria: Invitae Variant Classification Sherloc (09022015). Collection method: clinical testing. Allele origin: germline.
Comment: This sequence change replaces isoleucine, which is neutral and non-polar, with leucine, which is neutral and non-polar, at codon 26 of the DSC2 protein (p.Ile26Leu). This variant is present in population databases (no rsID available, gnomAD 0.007%). This variant has not been reported in the literature in individuals affected with DSC2-related conditions. ClinVar contains an entry for this variant (Variation ID: 2775197). Invitae Evidence Modeling of protein sequence and biophysical properties (such as structural, functional, and spatial information, amino acid conservation, physicochemical variation, residue mobility, and thermodynamic stability) indicates that this missense variant is not expected to disrupt DSC2 protein function with a negative predictive value of 80%. In summary, the available evidence is currently insufficient to determine the role of this variant in disease. Therefore, it has been classified as a Variant of Uncertain Significance.

Ambry Genetics
Classification: Uncertain significance for Cardiovascular phenotype. Last evaluated: 2025-02-13. Review status: criteria provided, single submitter. Criteria: Ambry Variant Classification Scheme 2023. Collection method: clinical testing. Allele origin: germline.
Comment: The p.I26L variant (also known as c.76A>T), located in coding exon 2 of the DSC2 gene, results from an A to T substitution at nucleotide position 76. The isoleucine at codon 26 is replaced by leucine, an amino acid with highly similar properties. This amino acid position is conserved. In addition, this alteration is predicted to be tolerated by in silico analysis. Based on the available evidence, the clinical significance of this variant remains unclear.

Color Diagnostics, LLC DBA Color Health
Classification: Uncertain significance for Cardiomyopathy. Last evaluated: 2024-03-06. Review status: criteria provided, single submitter. Criteria: ACMG Guidelines, 2015. Collection method: clinical testing. Allele origin: germline.
Comment: This missense variant replaces isoleucine with leucine at codon 26 of the DSC2 protein. Computational prediction suggests that this variant may not impact protein structure and function (internally defined REVEL score threshold <= 0.5, PMID: 27666373). To our knowledge, functional studies have not been reported for this variant. This variant has not been reported in individuals affected with cardiovascular disorders in the literature. This variant has been identified in 1/30986 chromosomes in the general population by the Genome Aggregation Database (gnomAD). The available evidence is insufficient to determine the role of this variant in disease conclusively. Therefore, this variant is classified as a Variant of Uncertain Significance.

All of Us Research Program, National Institutes of Health
Classification: Uncertain significance for Familial isolated arrhythmogenic right ventricular dysplasia. Last evaluated: 2023-06-08. Review status: criteria provided, single submitter. Criteria: ACMG Guidelines, 2015. Collection method: clinical testing. Allele origin: germline. Inheritance: Autosomal dominant inheritance. Observed: 1 variant allele, 1 heterozygote.
Comment: This missense variant replaces isoleucine with leucine at codon 26 of the DSC2 protein. Computational prediction suggests that this variant may not impact protein structure and function (internally defined REVEL score threshold <= 0.5, PMID: 27666373). To our knowledge, functional studies have not been reported for this variant. This variant has not been reported in individuals affected with cardiovascular disorders in the literature. This variant has been identified in 1/30986 chromosomes in the general population by the Genome Aggregation Database (gnomAD). The available evidence is insufficient to determine the role of this variant in disease conclusively. Therefore, this variant is classified as a Variant of Uncertain Significance.

This study involves interpretation of variants in research participants for the purpose of population health screening. Participant phenotype was not available at the time of variant classification. Additional details can be found in publication PMID: 35346344, PMCID: PMC8962531

NM_024422.6(DSC2):c.76A>T (p.Ile26Leu)

Gene: DSC2 (desmocollin 2; minus strand). Cytogenetic location: 18q12.1.
Variant type: single nucleotide variant.
Coding change: c.76A>T on transcript NM_024422.6 (MANE Select); coding-DNA position 76, A replaced by T.
Protein change: p.Ile26Leu; replaces isoleucine 26 with leucine.
Molecular consequence: missense variant. On other transcripts: 5 prime UTR variant (2).
Genome position (GRCh38, 1-based): chr18:31,093,637, T>A on the plus strand (A>T on the coding strand, the complement: DSC2 is on the minus strand). VCF-style: chr18-31093637-T-A. GRCh37 (hg19) VCF-style: chr18-28673600-T-A.
Other names: c.-354A>T (NM_001406506.1, NM_001406507.1); c.76A>T, p.Ile26Leu (NM_004949.5); c.76A>T (NM_024422.3); short protein forms I26L.
Identifiers: ClinVar variation 2775197 (VCV002775197.6), dbSNP rs1362597154, ClinGen allele CA402115176.
Genomic context (GRCh38, chr18:31,093,637, plus strand): 5'-CGGCATCTAGTTTGGAGGGAACATGTAATGTCACATTTTTGCAGGCATCACTGGCAAATA[T>A]TAAGATCTAAAAAATGAAAAAAAATCAAATAAATATTATGCATAAAAAGAAAACTTTAAT-3'
Protein context (NP_077740.1, residues 16-36): RLLLLTLAIL[Ile26Leu]FASDACKNVT